The following is an entry in ClinVar:

ClinVar aggregate classification (germline): Likely benign (1 of 4 stars; one submission).

Allele frequency attached by ClinVar (database versions not stated): TOPMed 0.00009; gnomAD 0.00015; gnomAD exomes 0.00051; 1000 Genomes Project 30x 0.00078; 1000 Genomes Project 0.00080.
gnomAD v4.1: 141 of 398,696 alleles (0.035%); highest among the groups gnomAD compares: East Asian, 0.4%; no homozygotes.

Submission:

CeGaT Center for Human Genetics Tuebingen
Classification: Likely benign. Last evaluated: 2025-12-01. Review status: criteria provided, single submitter. Criteria: CeGaT Center For Human Genetics Tuebingen Variant Classification Criteria Version 2. Collection method: clinical testing. Allele origin: germline. Affected: yes. Observed: 4 variant alleles.
Comment: KCNQ1OT1: BS1

NM_000218.3(KCNQ1):c.1514+27683G>A

Genes: KCNQ1 (potassium voltage-gated channel subfamily Q member 1; plus strand), KCNQ1OT1 (KCNQ1 opposite strand/antisense transcript 1; minus strand). Cytogenetic location: 11p15.5.
Variant type: single nucleotide variant.
Coding change: c.1514+27683G>A on transcript NM_000218.3 (MANE Select); 27683 bases into the intron after coding-DNA position 1514, G replaced by A.
Molecular consequence: intron variant.
Genome position (GRCh38, 1-based): chr11:2,689,764, G>A. VCF-style: chr11-2689764-G-A. GRCh37 (hg19) VCF-style: chr11-2710994-G-A.
Other names: c.1244+27683G>A (NM_001406837.1); c.1418+27683G>A (NM_001406836.1); c.974+27683G>A (NM_001406838.1); c.1133+27683G>A (NM_181798.2).
Identifiers: ClinVar variation 2570791 (VCV002570791.27), dbSNP rs150913135, ClinGen allele CA216191532.